The following is an entry in ClinVar:

ClinVar aggregate classification (germline): Uncertain significance. Review status: criteria provided, multiple submitters, no conflicts (2 of 4 stars). 3 submissions from 3 submitters: Uncertain significance (3). Last evaluated 2026-05-20.

Conditions:
Inborn genetic diseases. Identifiers: MedGen C0950123, MeSH D030342.
Alpha-methylacyl-CoA racemase deficiency (AMACRD). Also called: AMACR deficiency. Identifiers: Orphanet 79095, MedGen C3280428, MONDO:0013681, OMIM 614307. Disease mechanism: loss of function.

Allele frequency attached by ClinVar (database versions not stated): gnomAD exomes below 0.00001; ExAC 0.00001; gnomAD 0.00001; TOPMed 0.00002.
gnomAD v4.1: 4 of 1,614,080 alleles (0.00025%); highest among the groups gnomAD compares: African/African-American, 0.0053%; no homozygotes.

Submissions (3):

Ambry Genetics
Classification: Uncertain significance for Inborn genetic diseases. Last evaluated: 2026-05-20. Review status: criteria provided, single submitter. Criteria: Ambry Variant Classification Scheme 2023. Collection method: clinical testing. Allele origin: germline.
Comment: The c.1045C>G (p.H349D) alteration is located in exon 5 (coding exon 5) of the AMACR gene. This alteration results from a C to G substitution at nucleotide position 1045, causing the histidine (H) at amino acid position 349 to be replaced by an aspartic acid (D). Based on data from gnomAD, the G allele has an overall frequency of 0.001% (2/282858) total alleles studied. The highest observed frequency was 0.008% (2/24940) of African alleles. Based on insufficient or conflicting evidence, the clinical significance of this alteration remains unclear.

GeneDx
Classification: Uncertain significance. Last evaluated: 2024-12-26. Review status: criteria provided, single submitter. Criteria: GeneDx Variant Classification Process June 2021. Collection method: clinical testing. Allele origin: germline. Affected: yes.
Comment: Not observed at significant frequency in large population cohorts (gnomAD); In silico analysis supports that this missense variant has a deleterious effect on protein structure/function; Has not been previously published as pathogenic or benign to our knowledge

Labcorp Genetics (formerly Invitae), Labcorp
Classification: Uncertain significance for Alpha-methylacyl-CoA racemase deficiency. Last evaluated: 2023-10-03. Review status: criteria provided, single submitter. Criteria: Invitae Variant Classification Sherloc (09022015). Collection method: clinical testing. Allele origin: germline.
Comment: This sequence change replaces histidine, which is basic and polar, with aspartic acid, which is acidic and polar, at codon 349 of the AMACR protein (p.His349Asp). This variant is present in population databases (rs779722935, gnomAD 0.008%). This variant has not been reported in the literature in individuals affected with AMACR-related conditions. ClinVar contains an entry for this variant (Variation ID: 1045362). Advanced modeling of protein sequence and biophysical properties (such as structural, functional, and spatial information, amino acid conservation, physicochemical variation, residue mobility, and thermodynamic stability) performed at Invitae indicates that this missense variant is not expected to disrupt AMACR protein function. In summary, the available evidence is currently insufficient to determine the role of this variant in disease. Therefore, it has been classified as a Variant of Uncertain Significance.

NM_014324.6(AMACR):c.1045C>G (p.His349Asp)

Genes: C1QTNF3-AMACR (C1QTNF3-AMACR readthrough (NMD candidate); minus strand), AMACR (alpha-methylacyl-CoA racemase; minus strand). Cytogenetic location: 5p13.2.
Variant type: single nucleotide variant.
Coding change: c.1045C>G on transcript NM_014324.6 (MANE Select); coding-DNA position 1045, C replaced by G.
Protein change: p.His349Asp; replaces histidine 349 with aspartic acid.
Molecular consequence: missense variant. On other transcripts: non-coding transcript variant (1), 3 prime UTR variant (1).
Genome position (GRCh38, 1-based): chr5:33,989,197, G>C on the plus strand (C>G on the coding strand, the complement: AMACR is on the minus strand). VCF-style: chr5-33989197-G-C. GRCh37 (hg19) VCF-style: chr5-33989302-G-C.
Other names: c.1045C>G (NM_014324.5); c.1045C>G, p.His349Asp (NM_001167595.2); c.*287C>G (NM_203382.3); short protein forms H349D.
Identifiers: ClinVar variation 1045362 (VCV001045362.8), dbSNP rs779722935, ClinGen allele CA3225965.